The following is an entry in ClinVar:

ClinVar aggregate classification (germline): Likely benign. Review status: criteria provided, single submitter (1 of 4 stars). 2 submissions from 2 submitters: Likely benign (1). 1 of the submissions does not count toward it. Last evaluated 2025-08-20.

Conditions:
Imerslund-Grasbeck syndrome. Also called: Imerslund-Gräsbeck syndrome; Megaloblastic anemia due to inborn errors of metabolism; ENTEROCYTE COBALAMIN MALABSORPTION; ENTEROCYTE INTRINSIC FACTOR RECEPTOR, DEFECT OF; PERNICIOUS ANEMIA, JUVENILE, DUE TO SELECTIVE INTESTINAL MALABSORPTION OF VITAMIN B12, WITH PROTEINURIA. Identifiers: Orphanet 35858, MedGen C4551825, MONDO:0009853.
CUBN-related disorder. Also called: CUBN-related condition.

Allele frequency attached by ClinVar (database versions not stated): ExAC 0.00008; gnomAD 0.00012; TOPMed 0.00018; gnomAD exomes 0.00023.
gnomAD v4.1: 367 of 1,613,940 alleles (0.023%); highest among the groups gnomAD compares: Non-Finnish European, 0.028%; 1 homozygote.

Submissions (2):

Labcorp Genetics (formerly Invitae), Labcorp
Classification: Likely benign for Imerslund-Grasbeck syndrome. Last evaluated: 2025-08-20. Review status: criteria provided, single submitter. Criteria: Invitae Variant Classification Sherloc (09022015). Collection method: clinical testing. Allele origin: germline.

PreventionGenetics, part of Exact Sciences
Classification: Likely benign for CUBN-related condition. Last evaluated: 2022-02-07. Review status: no assertion criteria provided. Collection method: clinical testing. Allele origin: germline. Not counted in ClinVar's aggregate classification.
Comment: This variant is classified as likely benign based on ACMG/AMP sequence variant interpretation guidelines (Richards et al. 2015 PMID: 25741868, with internal and published modifications).

NM_001081.4(CUBN):c.9690G>A (p.Ala3230=)

Gene: CUBN (cubilin; minus strand). Cytogenetic location: 10p13.
Variant type: single nucleotide variant.
Coding change: c.9690G>A on transcript NM_001081.4 (MANE Select); coding-DNA position 9690, G replaced by A.
Protein change: p.Ala3230=; no amino-acid change (alanine 3230 retained).
Molecular consequence: synonymous variant.
Genome position (GRCh38, 1-based): chr10:16,841,021, C>T on the plus strand (G>A on the coding strand, the complement: CUBN is on the minus strand). VCF-style: chr10-16841021-C-T. GRCh37 (hg19) VCF-style: chr10-16883020-C-T.
Identifiers: ClinVar variation 2199840 (VCV002199840.6), dbSNP rs762325028, ClinGen allele CA5422620.